The following is an entry in ClinVar:

ClinVar aggregate classification (germline): Uncertain significance (1 of 4 stars; one submission).

Submission:

GeneDx
Classification: Uncertain significance. Last evaluated: 2024-10-11. Review status: criteria provided, single submitter. Criteria: GeneDx Variant Classification Process June 2021. Collection method: clinical testing. Allele origin: germline. Affected: yes.
Comment: Not observed at significant frequency in large population cohorts (gnomAD); In silico analysis indicates that this missense variant does not alter protein structure/function; Has not been previously published as pathogenic or benign to our knowledge

NM_000132.4(F8):c.5422C>G (p.Leu1808Val)

Gene: F8 (coagulation factor VIII; minus strand). Cytogenetic location: Xq28.
Variant type: single nucleotide variant.
Coding change: c.5422C>G on transcript NM_000132.4 (MANE Select); coding-DNA position 5422, C replaced by G.
Protein change: p.Leu1808Val; replaces leucine 1808 with valine.
Molecular consequence: missense variant.
Genome position (GRCh38, 1-based): chrX:154,904,975, G>C on the plus strand (C>G on the coding strand, the complement: F8 is on the minus strand). VCF-style: chrX-154904975-G-C. GRCh37 (hg19) VCF-style: chrX-154133250-G-C.
Other names: short protein forms L1808V.
Identifiers: ClinVar variation 3781068 (VCV003781068.1).
Genomic context (GRCh38, chrX:154,904,975, plus strand): 5'-GCTTGACAAAGTTTTTTCTAGGTTCTGCTCCTTGCCTCTGATCTTCCTCATAAGAAATAA[G>C]GCTAGAATAGAAGGAATAGGGACGAGAGGCCTGATTTCTGAAAGTTACCTGTAGAACAAT-3'
Protein context (NP_000123.1, residues 1798-1818): ASRPYSFYSS[Leu1808Val]ISYEEDQRQG